The following is an entry in ClinVar:

ClinVar aggregate classification (germline): Uncertain significance. Review status: criteria provided, multiple submitters, no conflicts (2 of 4 stars). 3 submissions from 3 submitters: Uncertain significance (2). 1 of the submissions does not count toward it. Last evaluated 2023-10-03.

Conditions:
Bartsocas-Papas syndrome 1. Also called: PTERYGIUM, POPLITEAL, LETHAL TYPE; Bartsocas-Papas syndrome; MULTIPLE PTERYGIUM SYNDROME, ASLAN TYPE. Identifiers: Orphanet 1234, MedGen C1849718, MONDO:0009901, OMIM 263650.
Curly hair, ankyloblepharon, nail dysplasia syndrome (CHANDS). Also called: CHAND syndrome. Identifiers: Orphanet 1401, MedGen C0406733, MONDO:0008959, OMIM 214350.

Allele frequency attached by ClinVar (database versions not stated): gnomAD exomes below 0.00001 and 0.00001; TOPMed 0.00001; ExAC 0.00002; gnomAD 0.00002.

Submissions (3):

Department of Pathology and Laboratory Medicine, Sinai Health System
Classification: Uncertain significance for Curly hair, ankyloblepharon, nail dysplasia syndrome; Bartsocas-Papas syndrome 1. Last evaluated: 2023-10-03. Review status: criteria provided, single submitter. Criteria: ACMG Guidelines, 2015. Collection method: research. Allele origin: germline.

Baylor Genetics
Classification: Uncertain significance for Bartsocas-Papas syndrome 1. Last evaluated: 2017-09-01. Review status: criteria provided, single submitter. Criteria: ACMG Guidelines, 2015. Collection method: clinical testing. Allele origin: germline. Inheritance: Autosomal recessive inheritance.
Comment: Heterozygotes would be expected to be asymptomatic carriers.

OMIM
Classification: Pathogenic for CHAND SYNDROME. Last evaluated: 2022-11-16. Review status: no assertion criteria provided. Collection method: literature only. Allele origin: germline. Not counted in ClinVar's aggregate classification.

Literature cited by the submitters: PubMed 25326635 (cited by Baylor Genetics); PubMed 23610050 (cited by OMIM).

NM_020639.3(RIPK4):c.488G>A (p.Gly163Asp)

Gene: RIPK4 (receptor interacting serine/threonine kinase 4; minus strand). Cytogenetic location: 21q22.3.
Variant type: single nucleotide variant.
Coding change: c.488G>A on transcript NM_020639.3 (MANE Select); coding-DNA position 488, G replaced by A.
Protein change: p.Gly163Asp; replaces glycine 163 with aspartic acid.
Molecular consequence: missense variant.
Genome position (GRCh38, 1-based): chr21:41,751,232, C>T on the plus strand (G>A on the coding strand, the complement: RIPK4 is on the minus strand). VCF-style: chr21-41751232-C-T. GRCh37 (hg19) VCF-style: chr21-43171392-C-T.
Other names: short protein forms G163D.
Identifiers: ClinVar variation 561098 (VCV000561098.6), dbSNP rs764278537, ClinGen allele CA10035742.
Genomic context (GRCh38, chr21:41,751,232, plus strand): 5'-CCAAACAGGCCATCCATGCTGAGGTCATGCGAGTGGGACAGCCCGTTGCACTTGGCCAGA[C>T]CAAAATCAGAAATCTGCAACACAGCCATCAGAGCGGGGCTCATTAGCCTGCAACAGTGAT-3'
Protein context (NP_065690.2, residues 153-173): AHYHVKISDF[Gly163Asp]LAKCNGLSHS